The following is an entry in ClinVar:

ClinVar aggregate classification (germline): Conflicting classifications of pathogenicity. Review status: criteria provided, conflicting classifications (1 of 4 stars). 2 submissions from 2 submitters: Uncertain significance (1); Likely benign (1). Last evaluated 2025-09-25.

Conditions:
Hereditary diffuse gastric adenocarcinoma (HDGC). Also called: DIFFUSE GASTRIC AND LOBULAR BREAST CANCER SYNDROME. Identifiers: Orphanet 26106, MedGen C1708349, MONDO:0007648, OMIM 137215.
Hereditary cancer-predisposing syndrome. Also called: Hereditary Cancer Syndrome; Neoplastic Syndromes, Hereditary; Hereditary neoplastic syndrome; Tumor predisposition. Identifiers: Orphanet 140162, MedGen C0027672, MeSH D009386, MONDO:0015356.

gnomAD v4.1: 1 of 1,551,216 alleles (0.000064%); highest among the groups gnomAD compares: Non-Finnish European, 0.000087%; no homozygotes.

Submissions (2):

Ambry Genetics
Classification: Likely benign for Hereditary cancer-predisposing syndrome. Last evaluated: 2025-09-25. Review status: criteria provided, single submitter. Criteria: Ambry Variant Classification Scheme 2023. Collection method: clinical testing. Allele origin: germline.

Labcorp Genetics (formerly Invitae), Labcorp
Classification: Uncertain significance for Hereditary diffuse gastric adenocarcinoma. Last evaluated: 2023-03-31. Review status: criteria provided, single submitter. Criteria: Invitae Variant Classification Sherloc (09022015). Collection method: clinical testing. Allele origin: germline.
Comment: This variant has not been reported in the literature in individuals affected with CDH1-related conditions. In summary, the available evidence is currently insufficient to determine the role of this variant in disease. Therefore, it has been classified as a Variant of Uncertain Significance. An algorithm developed to predict the effect of missense changes on protein structure and function (PolyPhen-2) suggests that this variant is likely to be disruptive. ClinVar contains an entry for this variant (Variation ID: 822106). This variant is not present in population databases (gnomAD no frequency). This sequence change replaces serine, which is neutral and polar, with cysteine, which is neutral and slightly polar, at codon 36 of the CDH1 protein (p.Ser36Cys).

NM_004360.5(CDH1):c.106A>T (p.Ser36Cys)

Gene: CDH1 (cadherin 1; plus strand). Cytogenetic location: 16q22.1.
Variant type: single nucleotide variant.
Coding change: c.106A>T on transcript NM_004360.5 (MANE Select); coding-DNA position 106, A replaced by T.
Protein change: p.Ser36Cys; replaces serine 36 with cysteine.
Molecular consequence: missense variant. On other transcripts: 5 prime UTR variant (2).
Genome position (GRCh38, 1-based): chr16:68,738,354, A>T. VCF-style: chr16-68738354-A-T. GRCh37 (hg19) VCF-style: chr16-68772257-A-T.
Other names: c.106A>T, p.Ser36Cys (NM_001317184.2); c.-1510A>T (NM_001317185.2); c.-1714A>T (NM_001317186.2); short protein forms S36C.
Identifiers: ClinVar variation 822106 (VCV000822106.15), dbSNP rs1555509773, ClinGen allele CA396452023.